The following is an entry in ClinVar:

ClinVar aggregate classification (germline): Pathogenic. Review status: criteria provided, multiple submitters, no conflicts (2 of 4 stars). 4 submissions from 4 submitters: Pathogenic (4). Last evaluated 2025-05-12.

Conditions:
Retinoblastoma (RB1). Also called: RETINOBLASTOMA, SOMATIC. Identifiers: Orphanet 790, MedGen C0035335, MeSH D012175, MONDO:0008380, OMIM 180200, HP:0009919. Disease mechanism: loss of function. Inheritance: Both sporadic and heritable forms are tested..
Hereditary retinoblastoma. Identifiers: Orphanet 357027, MedGen C0751483, MONDO:0018160.

Submissions (4):

Institute for Genomic Medicine (IGM) Clinical Laboratory, Nationwide Children's Hospital
Classification: Pathogenic for Hereditary retinoblastoma. Last evaluated: 2025-05-12. Review status: criteria provided, single submitter. Criteria: ACMG Guidelines, 2015. Collection method: clinical testing. Allele origin: germline.
Comment: This variant is predicted to result in loss of function through nonsense-mediated decay of the encoded transcript or premature truncation of the encoded protein in a gene in which loss of function is a known mechanism of disease (ACMG/AMP: PVS1; PMIDs:12541220, 17096365, 24688104, 24249257). This variant has been reported at an elevated frequency in affected individuals/in multiple affected individuals in the literature (ACMG/AMP: PS4_Supporting; PMIDs:24688104, 24249257). This variant is absent from or present at an exceedingly low frequency in gnomAD, a large-scale control population database (ACMG/AMP: PM2).

GeneDx
Classification: Pathogenic. Last evaluated: 2023-01-18. Review status: criteria provided, single submitter. Criteria: GeneDx Variant Classification Process June 2021. Collection method: clinical testing. Allele origin: germline. Affected: yes.
Comment: Frameshift variant predicted to result in protein truncation or nonsense mediated decay in a gene for which loss-of-function is a known mechanism of disease; Not observed at significant frequency in large population cohorts (gnomAD); Observed in individuals with personal and family history of retinoblastoma (Nichols et al., 2005; Fiala et al., 2021); This variant is associated with the following publications: (PMID: 28873162, 34308366, 15884040)

Department of Pediatrics, Memorial Sloan Kettering Cancer Center
Classification: Pathogenic for Retinoblastoma. Last evaluated: 2020-12-15. Review status: criteria provided, single submitter. Criteria: ACMG Guidelines, 2015. Collection method: research. Allele origin: germline. Affected: yes.

Labcorp Genetics (formerly Invitae), Labcorp
Classification: Pathogenic for Retinoblastoma. Last evaluated: 2018-12-06. Review status: criteria provided, single submitter. Criteria: Invitae Variant Classification Sherloc (09022015). Collection method: clinical testing. Allele origin: germline.
Comment: This variant has been reported in individuals in the Leiden Open-source Variation Database (PMID: 21520333). For these reasons, this variant has been classified as Pathogenic. Loss-of-function variants in RB1 are known to be pathogenic (PMID: 17096365). This variant is not present in population databases (ExAC no frequency). This sequence change creates a premature translational stop signal (p.Glu545Asnfs*9) in the RB1 gene. It is expected to result in an absent or disrupted protein product.

Literature cited by the submitters: PubMed 12541220 (cited by Institute for Genomic Medicine (IGM) Clinical Laboratory, Nationwide Children's Hospital); PubMed 17096365 (cited by Institute for Genomic Medicine (IGM) Clinical Laboratory, Nationwide Children's Hospital and Labcorp Genetics (formerly Invitae), Labcorp); PubMed 24688104 (cited by Institute for Genomic Medicine (IGM) Clinical Laboratory, Nationwide Children's Hospital); PubMed 24249257 (cited by Institute for Genomic Medicine (IGM) Clinical Laboratory, Nationwide Children's Hospital); PubMed 28873162 (cited by Department of Pediatrics, Memorial Sloan Kettering Cancer Center); PubMed 21520333 (cited by Labcorp Genetics (formerly Invitae), Labcorp).

NM_000321.3(RB1):c.1629_1630del (p.Glu545fs)

Gene: RB1 (RB transcriptional corepressor 1; plus strand). Cytogenetic location: 13q14.2.
Variant type: Deletion.
Coding change: c.1629_1630del on transcript NM_000321.3 (MANE Select); coding-DNA positions 1629 to 1630, 2 bases deleted (AA; older notation c.1629_1630delAA).
Protein change: p.Glu545fs; shifts the reading frame from glutamic acid 545.
Molecular consequence: frameshift variant.
Genome position (GRCh38, 1-based): chr13:48,381,377-48,381,378, AA deleted. VCF-style (leftmost placement, unchanged base first): chr13-48381376-CAA-C. GRCh37 (hg19) VCF-style: chr13-48955512-CAA-C.
Other names: c.1629_1630delAA (NM_000321.3, NM_000321.2); c.1629_1630del (NM_000321.2); short protein forms E545fs.
Identifiers: ClinVar variation 640295 (VCV000640295.10), dbSNP rs1593457070, ClinGen allele CA915948555.